The following is an entry in ClinVar:

ClinVar aggregate classification (germline): Likely benign (1 of 4 stars; one submission).

gnomAD v4.1: 7,819 of 1,608,914 alleles (0.49%); highest among the groups gnomAD compares: Non-Finnish European, 0.4%; 59 homozygotes.

Submission:

CeGaT Center for Human Genetics Tuebingen
Classification: Likely benign. Last evaluated: 2026-02-01. Review status: criteria provided, single submitter. Criteria: CeGaT Center For Human Genetics Tuebingen Variant Classification Criteria Version 2. Collection method: clinical testing. Allele origin: germline. Affected: yes. Observed: 1 variant allele.
Comment: APOC4: BP4, BS2; APOC4-APOC2: BP4, BS2

NM_001646.3(APOC4):c.155G>A (p.Gly52Asp)

Genes: APOC4 (apolipoprotein C4; plus strand), APOC4-APOC2 (APOC4-APOC2 readthrough (NMD candidate); plus strand). Cytogenetic location: 19q13.32.
Variant type: single nucleotide variant.
Coding change: c.155G>A on transcript NM_001646.3 (MANE Select); coding-DNA position 155, G replaced by A.
Protein change: p.Gly52Asp; replaces glycine 52 with aspartic acid.
Molecular consequence: missense variant. On other transcripts: non-coding transcript variant (1).
Genome position (GRCh38, 1-based): chr19:44,944,827, G>A. VCF-style: chr19-44944827-G-A. GRCh37 (hg19) VCF-style: chr19-45448084-G-A.
Other names: short protein forms G52D.
Identifiers: ClinVar variation 4820717 (VCV004820717.4).